The following is an entry in ClinVar:

NM_001104631.2(PDE4D):c.412A>G (p.Lys138Glu)

Gene: PDE4D (phosphodiesterase 4D; minus strand). Cytogenetic location: 5q12.1.
Variant type: single nucleotide variant.
Coding change: c.412A>G on transcript NM_001104631.2 (MANE Select); coding-DNA position 412, A replaced by G.
Protein change: p.Lys138Glu; replaces lysine 138 with glutamic acid.
Molecular consequence: missense variant. On other transcripts: intron variant (5).
Genome position (GRCh38, 1-based): chr5:59,893,211, T>C on the plus strand (A>G on the coding strand, the complement: PDE4D is on the minus strand). VCF-style: chr5-59893211-T-C. GRCh37 (hg19) VCF-style: chr5-59189038-T-C.
Other names: c.272+95277A>G (NM_001364599.1, NM_001165899.2, NM_001364600.2); c.-240+95277A>G (NM_001349243.2); c.242+95277A>G (NM_001349241.2); short protein forms K138E.
Identifiers: ClinVar variation 4056705 (VCV004056705.1).

ClinVar aggregate classification (germline): Uncertain significance (1 of 4 stars; one submission).

Conditions:
Acrodysostosis 2 with or without hormone resistance. Also called: ACRODYSOSTOSIS 2 WITH HORMONE RESISTANCE; ACRODYSOSTOSIS 2 WITHOUT HORMONE RESISTANCE. Identifiers: Orphanet 280651, MedGen C3553250, MONDO:0013822, OMIM 614613.

Submission:

Laboratorio de Genetica e Diagnostico Molecular, Hospital Israelita Albert Einstein
Classification: Uncertain significance for Acrodysostosis 2 with or without hormone resistance. Last evaluated: 2023-04-27. Review status: criteria provided, single submitter. Criteria: ACMG Guidelines, 2015. Collection method: clinical testing. Allele origin: germline. Affected: yes.
Comment: ACMG classification criteria: PM2 moderate, PP2 supporting, BP4 supporting